The following is an entry in ClinVar:

ClinVar aggregate classification (germline): Uncertain significance (1 of 4 stars; one submission).

Allele frequency attached by ClinVar (database versions not stated): TOPMed below 0.00001; gnomAD 0.00001; gnomAD exomes 0.00001; ExAC 0.00002.
gnomAD v4.1: 4 of 1,614,090 alleles (0.00025%); highest among the groups gnomAD compares: Admixed American, 0.0017%; no homozygotes.

Submission:

Labcorp Genetics (formerly Invitae), Labcorp
Classification: Uncertain significance. Last evaluated: 2022-03-15. Review status: criteria provided, single submitter. Criteria: Invitae Variant Classification Sherloc (09022015). Collection method: clinical testing. Allele origin: germline.
Comment: In summary, the available evidence is currently insufficient to determine the role of this variant in disease. Therefore, it has been classified as a Variant of Uncertain Significance. This variant has not been reported in the literature in individuals affected with EXTL3-related conditions. This variant is present in population databases (rs749295482, gnomAD 0.003%). This sequence change creates a premature translational stop signal (p.Arg223*) in the EXTL3 gene. It is expected to result in an absent or disrupted protein product. However, the current clinical and genetic evidence is not sufficient to establish whether loss-of-function variants in EXTL3 cause disease.

NM_001440.4(EXTL3):c.667C>T (p.Arg223Ter)

Gene: EXTL3 (exostosin like glycosyltransferase 3; plus strand). Cytogenetic location: 8p21.1.
Variant type: single nucleotide variant.
Coding change: c.667C>T on transcript NM_001440.4 (MANE Select); coding-DNA position 667, C replaced by T.
Protein change: p.Arg223Ter; replaces arginine 223 with a stop codon.
Molecular consequence: nonsense.
Genome position (GRCh38, 1-based): chr8:28,716,726, C>T. VCF-style: chr8-28716726-C-T. GRCh37 (hg19) VCF-style: chr8-28574243-C-T.
Other names: short protein forms R223*.
Identifiers: ClinVar variation 1957177 (VCV001957177.5), dbSNP rs749295482, ClinGen allele CA4696039.
Genomic context (GRCh38, chr8:28,716,726, plus strand): 5'-CAGTTTGTCTTTGGCAGCTACCTGGATCCCTTGGTCAAGCAGGCTTTTCAGGCGACAGCA[C>T]GAGCTAACGTTTATGTTACAGAAAATGCAGACATCGCCTGCCTTTACGTGATACTAGTGG-3'